The following is an entry in ClinVar:

ClinVar aggregate classification (germline): Pathogenic (1 of 4 stars; one submission).

Submission:

Labcorp Genetics (formerly Invitae), Labcorp
Classification: Pathogenic. Last evaluated: 2025-07-06. Review status: criteria provided, single submitter. Criteria: Invitae Variant Classification Sherloc (09022015). Collection method: clinical testing. Allele origin: germline.
Comment: This sequence change creates a premature translational stop signal (p.Lys267*) in the MMP2 gene. It is expected to result in an absent or disrupted protein product. Loss-of-function variants in MMP2 are known to be pathogenic (PMID: 26601801). This variant is not present in population databases (gnomAD no frequency). This variant has not been reported in the literature in individuals affected with MMP2-related conditions. For these reasons, this variant has been classified as Pathogenic.

Literature cited by the submitters: PubMed 26601801.

NM_004530.6(MMP2):c.799A>T (p.Lys267Ter)

Gene: MMP2 (matrix metallopeptidase 2; plus strand). Cytogenetic location: 16q12.2.
Variant type: single nucleotide variant.
Coding change: c.799A>T on transcript NM_004530.6 (MANE Select); coding-DNA position 799, A replaced by T.
Protein change: p.Lys267Ter; replaces lysine 267 with a stop codon.
Molecular consequence: nonsense.
Genome position (GRCh38, 1-based): chr16:55,485,744, A>T. VCF-style: chr16-55485744-A-T. GRCh37 (hg19) VCF-style: chr16-55519656-A-T.
Other names: c.649A>T, p.Lys217Ter (NM_001127891.3); c.571A>T, p.Lys191Ter (NM_001302508.1, NM_001302509.2, NM_001302510.2); short protein forms K191*, K267*, K217*.
Identifiers: ClinVar variation 4722790 (VCV004722790.1).